The following is an entry in ClinVar:

NM_006392.4(NOP56):c.615C>T (p.Asn205=)

Gene: NOP56 (NOP56 ribonucleoprotein; plus strand). Cytogenetic location: 20p13.
Variant type: single nucleotide variant.
Coding change: c.615C>T on transcript NM_006392.4 (MANE Select); coding-DNA position 615, C replaced by T.
Protein change: p.Asn205=; no amino-acid change (asparagine 205 retained).
Molecular consequence: synonymous variant. On other transcripts: non-coding transcript variant (2).
Genome position (GRCh38, 1-based): chr20:2,655,370, C>T. VCF-style: chr20-2655370-C-T. GRCh37 (hg19) VCF-style: chr20-2636016-C-T.
Identifiers: ClinVar variation 3388619 (VCV003388619.14).

ClinVar aggregate classification (germline): Likely benign (1 of 4 stars; one submission).

gnomAD v4.1: 63 of 1,614,112 alleles (0.0039%); highest among the groups gnomAD compares: East Asian, 0.076%; no homozygotes.

Submission:

CeGaT Center for Human Genetics Tuebingen
Classification: Likely benign. Last evaluated: 2024-10-01. Review status: criteria provided, single submitter. Criteria: CeGaT Center For Human Genetics Tuebingen Variant Classification Criteria Version 2. Collection method: clinical testing. Allele origin: germline. Affected: yes. Observed: 1 variant allele.
Comment: NOP56: BP4, BP7